The following is an entry in ClinVar:

ClinVar aggregate classification (germline): Uncertain significance (1 of 4 stars; one submission).

Conditions:
Developmental and epileptic encephalopathy, 30 (DEE30). Also called: Epileptic encephalopathy, early infantile, 30. Identifiers: MedGen C4225360, MONDO:0014595, OMIM 616341.

Submission:

Labcorp Genetics (formerly Invitae), Labcorp
Classification: Uncertain significance for Developmental and epileptic encephalopathy, 30. Last evaluated: 2025-10-02. Review status: criteria provided, single submitter. Criteria: Invitae Variant Classification Sherloc (09022015). Collection method: clinical testing. Allele origin: germline.
Comment: This sequence change replaces alanine, which is neutral and non-polar, with threonine, which is neutral and polar, at codon 359 of the SIK1 protein (p.Ala359Thr). This variant is not present in population databases (gnomAD no frequency). This variant has not been reported in the literature in individuals affected with SIK1-related conditions. Invitae Evidence Modeling of protein sequence and biophysical properties (such as structural, functional, and spatial information, amino acid conservation, physicochemical variation, residue mobility, and thermodynamic stability) indicates that this missense variant is not expected to disrupt SIK1 protein function with a negative predictive value of 95%. In summary, the available evidence is currently insufficient to determine the role of this variant in disease. Therefore, it has been classified as a Variant of Uncertain Significance.

NM_173354.5(SIK1):c.1075G>A (p.Ala359Thr)

Gene: SIK1 (salt inducible kinase 1; minus strand). Cytogenetic location: 21q22.3.
Variant type: single nucleotide variant.
Coding change: c.1075G>A on transcript NM_173354.5 (MANE Select); coding-DNA position 1075, G replaced by A.
Protein change: p.Ala359Thr; replaces alanine 359 with threonine.
Molecular consequence: missense variant.
Genome position (GRCh38, 1-based): chr21:43,419,903, C>T on the plus strand (G>A on the coding strand, the complement: SIK1 is on the minus strand). VCF-style: chr21-43419903-C-T. GRCh37 (hg19) VCF-style: chr21-44839783-C-T.
Other names: short protein forms A359T.
Identifiers: ClinVar variation 4803224 (VCV004803224.1).